The following is an entry in ClinVar:

NM_000088.4(COL1A1):c.2128-1G>C

Gene: COL1A1 (collagen type I alpha 1 chain; minus strand). Cytogenetic location: 17q21.33.
Variant type: single nucleotide variant.
Coding change: c.2128-1G>C on transcript NM_000088.4 (MANE Select); the canonical splice acceptor site of the intron before coding-DNA position 2128, G replaced by C.
Molecular consequence: splice acceptor variant.
Genome position (GRCh38, 1-based): chr17:50,191,491, C>G on the plus strand (G>C on the coding strand, the complement: COL1A1 is on the minus strand). VCF-style: chr17-50191491-C-G. GRCh37 (hg19) VCF-style: chr17-48268852-C-G.
Identifiers: ClinVar variation 456744 (VCV000456744.17), dbSNP rs67543897, ClinGen allele CA291543992.

ClinVar aggregate classification (germline): Pathogenic. Review status: criteria provided, multiple submitters, no conflicts (2 of 4 stars). 2 submissions from 2 submitters: Pathogenic (2). Last evaluated 2025-10-13.

Conditions:
Osteogenesis imperfecta type I (OI1). Also called: OI, TYPE I; OSTEOGENESIS IMPERFECTA TARDA; OSTEOGENESIS IMPERFECTA WITH BLUE SCLERAE; Osteogenesis imperfecta type 1; Lobstein's Disease; Lobstein disease. Identifiers: Orphanet 216796, Orphanet 666, MedGen C0023931, MONDO:0008146, OMIM 166200. Disease mechanism: loss of function.

Submissions (2):

Labcorp Genetics (formerly Invitae), Labcorp
Classification: Pathogenic for Osteogenesis imperfecta type I. Last evaluated: 2025-10-13. Review status: criteria provided, single submitter. Criteria: Invitae Variant Classification Sherloc (09022015). Collection method: clinical testing. Allele origin: germline.
Comment: This sequence change affects an acceptor splice site in intron 31 of the COL1A1 gene. It is expected to disrupt RNA splicing. Variants that disrupt the donor or acceptor splice site typically lead to a loss of protein function (PMID: 16199547), and loss-of-function variants in COL1A1 are known to be pathogenic (PMID: 7942841, 9295084, 9443882). This variant is not present in population databases (gnomAD no frequency). Disruption of this splice site has been observed in individuals with osteogenesis imperfecta type IV (PMID: 17078022, 21520333). ClinVar contains an entry for this variant (Variation ID: 456744). Algorithms developed to predict the effect of sequence changes on RNA splicing suggest that this variant may disrupt the consensus splice site. For these reasons, this variant has been classified as Pathogenic.

ARUP Laboratories, Molecular Genetics and Genomics, ARUP Laboratories
Classification: Pathogenic. Last evaluated: 2018-09-21. Review status: criteria provided, single submitter. Criteria: ARUP Molecular Germline Variant Investigation Process. Collection method: clinical testing. Allele origin: germline.
Comment: The COL1A1 c.2128-1G>C variant (rs67543897), is reported in the literature in at least one individual affected with osteogenesis imperfecta type IV (Marini 2007). This variant is reported as in ClinVar (Variation ID: 456744), and is absent from general population databases (1000 Genomes Project, Exome Variant Server, and Genome Aggregation Database), indicating it is not a common polymorphism. This variant abolishes the canonical splice acceptor site of intron 31, which is likely to disrupt gene function. Additionally, a different variant at this nucleotide position (c.2128-1G>A) has been reported in individuals with osteogenesis imperfecta type I, and is considered pathogenic (Marini 2007). Based on available information, the c.2128-1G>C variant is considered to be pathogenic. Pathogenic germline COL1A1 variants are inherited in an autosomal dominant manner, and are associated with osteogenesis imperfecta type I (MIM: 166200), osteogenesis imperfecta type II (MIM: 166210), osteogenesis imperfecta type III (MIM: 259420) and osteogenesis imperfecta type IV (MIM: 166220). References: Marini JC et al. Consortium for osteogenesis imperfecta mutations in the helical domain of type I collagen: regions rich in lethal mutations align with collagen binding sites for integrins and proteoglycans. Hum Mutat. 2007 Mar;28(3):209-21.

Literature cited by the submitters: PubMed 16199547 (cited by Labcorp Genetics (formerly Invitae), Labcorp); PubMed 7942841 (cited by Labcorp Genetics (formerly Invitae), Labcorp); PubMed 9295084 (cited by Labcorp Genetics (formerly Invitae), Labcorp); PubMed 9443882 (cited by Labcorp Genetics (formerly Invitae), Labcorp); PubMed 17078022 (cited by Labcorp Genetics (formerly Invitae), Labcorp); PubMed 21520333 (cited by Labcorp Genetics (formerly Invitae), Labcorp).